The following is an entry in ClinVar:

ClinVar aggregate classification (germline): Uncertain significance (1 of 4 stars; one submission).

gnomAD v4.1: 1 of 1,613,388 alleles (0.000062%); highest among the groups gnomAD compares: South Asian, 0.0011%; no homozygotes.

Submission:

Mayo Clinic Laboratories, Mayo Clinic
Classification: Uncertain significance. Last evaluated: 2025-09-22. Review status: criteria provided, single submitter. Criteria: ACMG Guidelines, 2015. Collection method: clinical testing. Allele origin: germline. Observed: 1 variant allele.
Comment: BP4_moderate, PM2_supporting

NM_001329943.3(KIAA0586):c.2293G>A (p.Gly765Arg)

Gene: KIAA0586 (KIAA0586; plus strand). Cytogenetic location: 14q23.1.
Variant type: single nucleotide variant.
Coding change: c.2293G>A on transcript NM_001329943.3 (MANE Select); coding-DNA position 2293, G replaced by A.
Protein change: p.Gly765Arg; replaces glycine 765 with arginine.
Molecular consequence: missense variant.
Genome position (GRCh38, 1-based): chr14:58,467,773, G>A. VCF-style: chr14-58467773-G-A. GRCh37 (hg19) VCF-style: chr14-58934491-G-A.
Other names: p.Gly818Arg; c.2452G>A, p.Gly818Arg (NM_001244189.2); c.2248G>A, p.Gly750Arg (NM_001244190.2); c.2038G>A, p.Gly680Arg (NM_001244191.2, NM_001329945.2, NM_001364700.1 and 1 more transcripts); c.2161G>A, p.Gly721Arg (NM_001244192.2); c.1873G>A, p.Gly625Arg (NM_001244193.2); c.2293G>A, p.Gly765Arg (NM_001329944.2, NM_001329946.2, NM_001329947.2); c.2065G>A, p.Gly689Arg (NM_014749.5); short protein forms G625R, G680R, G750R, G765R, G818R, G721R, G689R.
Identifiers: ClinVar variation 4541834 (VCV004541834.1).
Genomic context (GRCh38, chr14:58,467,773, plus strand): 5'-TTTTTTCTCCTAAACTTCTTAGGACAAACCCAAAGTAATAGTGATACCATGCCACCTGCT[G>A]GAGTGATTGTCAGCAAGCCACACCCTGTAACTGTGACTACTTCTATTCCTCCATCATCTC-3'
Protein context (NP_001316872.1, residues 755-775): QSNSDTMPPA[Gly765Arg]VIVSKPHPVT